The following is an entry in ClinVar:

ClinVar aggregate classification (germline): Uncertain significance (1 of 4 stars; one submission).

Conditions:
Very long chain acyl-CoA dehydrogenase deficiency (ACADVLD). Also called: Very Long-Chain Acyl-Coenzyme A Dehydrogenase Deficiency; VLCAD Deficiency. Identifiers: Orphanet 26793, MedGen C3887523, MONDO:0008723, OMIM 201475.

Submission:

Wong Mito Lab, Molecular and Human Genetics, Baylor College of Medicine
Classification: Uncertain significance for Very long chain acyl-CoA dehydrogenase deficiency. Last evaluated: 2019-11-01. Review status: criteria provided, single submitter. Criteria: ACMG Guidelines, 2015. Collection method: clinical testing. Allele origin: germline.
Comment: The NM_000018.3:c.1205C>A (NP_000009.1:p.Ala402Asp) [GRCH38: NC_000017.11:g.7223666C>A] variant in ACADVL gene is interpretated to be Uncertain Significance based on ACMG guidelines (PMID: 25741868). This variant has been reported. This variant meets the following evidence codes reported in the ACMG guidelines: PM1

NM_000018.4(ACADVL):c.1205C>A (p.Ala402Asp)

Gene: ACADVL (acyl-CoA dehydrogenase very long chain; plus strand). Cytogenetic location: 17p13.1.
Variant type: single nucleotide variant.
Coding change: c.1205C>A on transcript NM_000018.4 (MANE Select); coding-DNA position 1205, C replaced by A.
Protein change: p.Ala402Asp; replaces alanine 402 with aspartic acid.
Molecular consequence: missense variant.
Genome position (GRCh38, 1-based): chr17:7,223,666, C>A. VCF-style: chr17-7223666-C-A. GRCh37 (hg19) VCF-style: chr17-7126985-C-A.
Other names: c.1139C>A, p.Ala380Asp (NM_001033859.3); c.1274C>A, p.Ala425Asp (NM_001270447.2); c.977C>A, p.Ala326Asp (NM_001270448.2); short protein forms A326D, A380D, A425D, A402D.
Identifiers: ClinVar variation 932805 (VCV000932805.2), dbSNP rs727503793, ClinGen allele CA397724591.